The following is an entry in ClinVar:

ClinVar aggregate classification (germline): Uncertain significance (1 of 4 stars; one submission).

gnomAD v4.1: 26 of 1,606,010 alleles (0.0016%); highest among the groups gnomAD compares: South Asian, 0.009%; 1 homozygote.

Submission:

Labcorp Genetics (formerly Invitae), Labcorp
Classification: Uncertain significance. Last evaluated: 2025-05-22. Review status: criteria provided, single submitter. Criteria: Invitae Variant Classification Sherloc (09022015). Collection method: clinical testing. Allele origin: germline.
Comment: This sequence change replaces glutamic acid, which is acidic and polar, with lysine, which is basic and polar, at codon 193 of the ACAN protein (p.Glu193Lys). This variant is present in population databases (rs748868363, gnomAD 0.01%). This variant has not been reported in the literature in individuals affected with ACAN-related conditions. Invitae Evidence Modeling of protein sequence and biophysical properties (such as structural, functional, and spatial information, amino acid conservation, physicochemical variation, residue mobility, and thermodynamic stability) indicates that this missense variant is not expected to disrupt ACAN protein function with a negative predictive value of 80%. In summary, the available evidence is currently insufficient to determine the role of this variant in disease. Therefore, it has been classified as a Variant of Uncertain Significance.

NM_001369268.1(ACAN):c.577G>A (p.Glu193Lys)

Gene: ACAN (aggrecan; plus strand). Cytogenetic location: 15q26.1.
Variant type: single nucleotide variant.
Coding change: c.577G>A on transcript NM_001369268.1 (MANE Select); coding-DNA position 577, G replaced by A.
Protein change: p.Glu193Lys; replaces glutamic acid 193 with lysine.
Molecular consequence: missense variant.
Genome position (GRCh38, 1-based): chr15:88,840,134, G>A. VCF-style: chr15-88840134-G-A. GRCh37 (hg19) VCF-style: chr15-89383365-G-A.
Other names: c.577G>A, p.Glu193Lys (NM_001135.4, NM_001411096.1, NM_001411097.1 and 1 more transcripts); short protein forms E193K.
Identifiers: ClinVar variation 4695169 (VCV004695169.1).
Genomic context (GRCh38, chr15:88,840,134, plus strand): 5'-CGGGCCTGCCTGCAGAACAGTGCCATCATTGCCACGCCTGAGCAGCTGCAGGCCGCCTAC[G>A]AAGACGGCTTCCACCAGTGTGACGCCGGCTGGCTGGCTGACCAGACTGTCAGGTGAGCCC-3'
Protein context (NP_001356197.1, residues 183-203): ATPEQLQAAY[Glu193Lys]DGFHQCDAGW